The following is an entry in ClinVar:

ClinVar aggregate classification (germline): Uncertain significance (1 of 4 stars; one submission).

Allele frequency attached by ClinVar (database versions not stated): gnomAD exomes below 0.00001.
gnomAD v4.1: 2 of 1,614,198 alleles (0.00012%); highest among the groups gnomAD compares: Non-Finnish European, 0.00017%; no homozygotes.

Submission:

Labcorp Genetics (formerly Invitae), Labcorp
Classification: Uncertain significance. Last evaluated: 2022-08-10. Review status: criteria provided, single submitter. Criteria: Invitae Variant Classification Sherloc (09022015). Collection method: clinical testing. Allele origin: germline.
Comment: This variant is present in population databases (no rsID available, gnomAD 0.0009%). This variant has not been reported in the literature in individuals affected with COL4A1-related conditions. Advanced modeling of protein sequence and biophysical properties (such as structural, functional, and spatial information, amino acid conservation, physicochemical variation, residue mobility, and thermodynamic stability) performed at Invitae indicates that this missense variant is not expected to disrupt COL4A1 protein function. In summary, the available evidence is currently insufficient to determine the role of this variant in disease. Therefore, it has been classified as a Variant of Uncertain Significance. This sequence change replaces asparagine, which is neutral and polar, with serine, which is neutral and polar, at codon 1506 of the COL4A1 protein (p.Asn1506Ser).

NM_001845.6(COL4A1):c.4517A>G (p.Asn1506Ser)

Gene: COL4A1 (collagen type IV alpha 1 chain; minus strand). Cytogenetic location: 13q34.
Variant type: single nucleotide variant.
Coding change: c.4517A>G on transcript NM_001845.6 (MANE Select); coding-DNA position 4517, A replaced by G.
Protein change: p.Asn1506Ser; replaces asparagine 1506 with serine.
Molecular consequence: missense variant.
Genome position (GRCh38, 1-based): chr13:110,161,315, T>C on the plus strand (A>G on the coding strand, the complement: COL4A1 is on the minus strand). VCF-style: chr13-110161315-T-C. GRCh37 (hg19) VCF-style: chr13-110813662-T-C.
Other names: short protein forms N1506S.
Identifiers: ClinVar variation 1945926 (VCV001945926.5), dbSNP rs1189595814, ClinGen allele CA388657466.
Genomic context (GRCh38, chr13:110,161,315, plus strand): 5'-GGGGTGGACAGCCAGTACGAGTAGTCATTTCGTGATGCAAAGTTGCACACGTTGTTAATA[T>C]TGCAGAACAGGAAGGGCATTGTGCTGAACTTGCGCAGGCAGCTGCCGGCCGTGCCTAGAC-3'
Protein context (NP_001836.3, residues 1496-1516): KFSTMPFLFC[Asn1506Ser]INNVCNFASR